The following is an entry in ClinVar:

ClinVar aggregate classification (germline): Pathogenic (1 of 4 stars; one submission).

Submission:

Labcorp Genetics (formerly Invitae), Labcorp
Classification: Pathogenic. Last evaluated: 2024-02-23. Review status: criteria provided, single submitter. Criteria: Invitae Variant Classification Sherloc (09022015). Collection method: clinical testing. Allele origin: germline.
Comment: This sequence change creates a premature translational stop signal (p.Gln175*) in the CEP152 gene. It is expected to result in an absent or disrupted protein product. Loss-of-function variants in CEP152 are known to be pathogenic (PMID: 21131973). This variant is not present in population databases (gnomAD no frequency). This variant has not been reported in the literature in individuals affected with CEP152-related conditions. Algorithms developed to predict the effect of sequence changes on RNA splicing suggest that this variant may disrupt the consensus splice site. For these reasons, this variant has been classified as Pathogenic.

Literature cited by the submitters: PubMed 21131973.

NM_001194998.2(CEP152):c.523C>T (p.Gln175Ter)

Gene: CEP152 (centrosomal protein 152; minus strand). Cytogenetic location: 15q21.1.
Variant type: single nucleotide variant.
Coding change: c.523C>T on transcript NM_001194998.2 (MANE Select); coding-DNA position 523, C replaced by T.
Protein change: p.Gln175Ter; replaces glutamine 175 with a stop codon.
Molecular consequence: nonsense.
Genome position (GRCh38, 1-based): chr15:48,797,318, G>A on the plus strand (C>T on the coding strand, the complement: CEP152 is on the minus strand). VCF-style: chr15-48797318-G-A. GRCh37 (hg19) VCF-style: chr15-49089515-G-A.
Other names: c.523C>T, p.Gln175Ter (NM_014985.4); short protein forms Q175*.
Identifiers: ClinVar variation 2704865 (VCV002704865.3), dbSNP rs1421902848, ClinGen allele CA392357611.